The following is an entry in ClinVar:

NM_001378454.1(ALMS1):c.341G>T (p.Cys114Phe)

Gene: ALMS1 (ALMS1 centrosome and basal body associated protein; plus strand). Cytogenetic location: 2p13.1.
Variant type: single nucleotide variant.
Coding change: c.341G>T on transcript NM_001378454.1 (MANE Select); coding-DNA position 341, G replaced by T.
Protein change: p.Cys114Phe; replaces cysteine 114 with phenylalanine.
Molecular consequence: missense variant.
Genome position (GRCh38, 1-based): chr2:73,408,638, G>T. VCF-style: chr2-73408638-G-T. GRCh37 (hg19) VCF-style: chr2-73635766-G-T.
Other names: c.344G>T, p.Cys115Phe (NM_015120.4); short protein forms C115F, C114F.
Identifiers: ClinVar variation 1422457 (VCV001422457.5), dbSNP rs1052797474, ClinGen allele CA50351974.

ClinVar aggregate classification (germline): Uncertain significance. Review status: criteria provided, multiple submitters, no conflicts (2 of 4 stars). 3 submissions from 3 submitters: Uncertain significance (3). Last evaluated 2022-10-18.

Conditions:
Alstrom syndrome (ALMS). Identifiers: Orphanet 64, MedGen C0268425, MONDO:0008763, OMIM 203800.

Allele frequency attached by ClinVar (database versions not stated): gnomAD 0.00001; gnomAD exomes 0.00001; TOPMed 0.00001.
gnomAD v4.1: 19 of 1,613,040 alleles (0.0012%); highest among the groups gnomAD compares: Admixed American, 0.0017%; no homozygotes.

Submissions (3):

Labcorp Genetics (formerly Invitae), Labcorp
Classification: Uncertain significance for Alstrom syndrome. Last evaluated: 2022-10-18. Review status: criteria provided, single submitter. Criteria: Invitae Variant Classification Sherloc (09022015). Collection method: clinical testing. Allele origin: germline.
Comment: This sequence change replaces cysteine, which is neutral and slightly polar, with phenylalanine, which is neutral and non-polar, at codon 115 of the ALMS1 protein (p.Cys115Phe). This variant is present in population databases (no rsID available, gnomAD 0.003%). This variant has not been reported in the literature in individuals affected with ALMS1-related conditions. ClinVar contains an entry for this variant (Variation ID: 1422457). Experimental studies and prediction algorithms are not available or were not evaluated, and the functional significance of this variant is currently unknown. In summary, the available evidence is currently insufficient to determine the role of this variant in disease. Therefore, it has been classified as a Variant of Uncertain Significance.

Fulgent Genetics
Classification: Uncertain significance for Alstrom syndrome. Last evaluated: 2022-05-04. Review status: criteria provided, single submitter. Criteria: ACMG Guidelines, 2015. Collection method: clinical testing. Allele origin: unknown.

Breakthrough Genomics
Classification: Uncertain significance. Review status: criteria provided, single submitter. Criteria: ACMG Guidelines, 2015. Collection method: not provided. Allele origin: germline. Inheritance: Autosomal recessive inheritance. Affected: yes.